The following is an entry in ClinVar:

ClinVar aggregate classification (germline): Uncertain significance (1 of 4 stars; one submission).

Conditions:
Juvenile polyposis syndrome (JPS). Identifiers: Orphanet 2929, MedGen C0345893, MONDO:0017380, OMIM 174900.

Submission:

Labcorp Genetics (formerly Invitae), Labcorp
Classification: Uncertain significance for Juvenile polyposis syndrome. Last evaluated: 2023-05-18. Review status: criteria provided, single submitter. Criteria: Invitae Variant Classification Sherloc (09022015). Collection method: clinical testing. Allele origin: germline.
Comment: In summary, the available evidence is currently insufficient to determine the role of this variant in disease. Therefore, it has been classified as a Variant of Uncertain Significance. Advanced modeling of protein sequence and biophysical properties (such as structural, functional, and spatial information, amino acid conservation, physicochemical variation, residue mobility, and thermodynamic stability) performed at Invitae indicates that this missense variant is not expected to disrupt BMPR1A protein function. ClinVar contains an entry for this variant (Variation ID: 946485). This variant has not been reported in the literature in individuals affected with BMPR1A-related conditions. This variant is not present in population databases (gnomAD no frequency). This sequence change replaces cysteine, which is neutral and slightly polar, with phenylalanine, which is neutral and non-polar, at codon 163 of the BMPR1A protein (p.Cys163Phe).

NM_004329.3(BMPR1A):c.488G>T (p.Cys163Phe)

Gene: BMPR1A (bone morphogenetic protein receptor type 1A; plus strand). Cytogenetic location: 10q23.2.
Variant type: single nucleotide variant.
Coding change: c.488G>T on transcript NM_004329.3 (MANE Select); coding-DNA position 488, G replaced by T.
Protein change: p.Cys163Phe; replaces cysteine 163 with phenylalanine.
Molecular consequence: missense variant.
Genome position (GRCh38, 1-based): chr10:86,900,084, G>T. VCF-style: chr10-86900084-G-T. GRCh37 (hg19) VCF-style: chr10-88659841-G-T.
Other names: short protein forms C163F.
Identifiers: ClinVar variation 946485 (VCV000946485.10), dbSNP rs1843287435, ClinGen allele CA377450487.